The following is an entry in ClinVar:

ClinVar aggregate classification (germline): Uncertain significance (1 of 4 stars; one submission).

Conditions:
Neuromuscular disease caused by qualitative or quantitative defects of dysferlin. Also called: Dysferlinopathy; Qualitative or quantitative defects of dysferlin. Identifiers: Orphanet 207073, MedGen C2931687, MONDO:0016145.

Submission:

Labcorp Genetics (formerly Invitae), Labcorp
Classification: Uncertain significance for Neuromuscular disease caused by qualitative or quantitative defects of dysferlin. Last evaluated: 2024-11-18. Review status: criteria provided, single submitter. Criteria: Invitae Variant Classification Sherloc (09022015). Collection method: clinical testing. Allele origin: germline.
Comment: This sequence change replaces glutamine, which is neutral and polar, with arginine, which is basic and polar, at codon 799 of the DYSF protein (p.Gln799Arg). This variant is not present in population databases (gnomAD no frequency). This variant has not been reported in the literature in individuals affected with DYSF-related conditions. ClinVar contains an entry for this variant (Variation ID: 2725625). Invitae Evidence Modeling of protein sequence and biophysical properties (such as structural, functional, and spatial information, amino acid conservation, physicochemical variation, residue mobility, and thermodynamic stability) indicates that this missense variant is not expected to disrupt DYSF protein function with a negative predictive value of 95%. In summary, the available evidence is currently insufficient to determine the role of this variant in disease. Therefore, it has been classified as a Variant of Uncertain Significance.

NM_001130987.2(DYSF):c.2450A>G (p.Gln817Arg)

Gene: DYSF (dysferlin; plus strand). Cytogenetic location: 2p13.2.
Variant type: single nucleotide variant.
Coding change: c.2450A>G on transcript NM_001130987.2 (MANE Select); coding-DNA position 2450, A replaced by G.
Protein change: p.Gln817Arg; replaces glutamine 817 with arginine.
Molecular consequence: missense variant.
Genome position (GRCh38, 1-based): chr2:71,564,098, A>G. VCF-style: chr2-71564098-A-G. GRCh37 (hg19) VCF-style: chr2-71791228-A-G.
Other names: c.2399A>G, p.Gln800Arg (NM_001130455.2, NM_001130983.2); c.2354A>G, p.Gln785Arg (NM_001130976.2, NM_001130977.2); c.2396A>G, p.Gln799Arg (NM_001130978.2, NM_003494.4); c.2489A>G, p.Gln830Arg (NM_001130979.2); c.2447A>G, p.Gln816Arg (NM_001130980.2, NM_001130981.2); c.2492A>G, p.Gln831Arg (NM_001130982.2); c.2357A>G, p.Gln786Arg (NM_001130984.2, NM_001130986.2); c.2450A>G, p.Gln817Arg (NM_001130985.2); short protein forms Q785R, Q786R, Q830R, Q831R, Q799R, Q817R, Q800R, Q816R.
Identifiers: ClinVar variation 2725625 (VCV002725625.2), dbSNP rs2545769497, ClinGen allele CA347211276.
Genomic context (GRCh38, chr2:71,564,098, plus strand): 5'-GACCACCACCCTCTGTTCAGCCCCAGAACAGCCTGCCGGACATCGTCATCTGGATGCTGC[A>G]GGGAGACAAGCGTGTGGCATACCAGCGGGTGCCCGCCCACCAAGTCCTCTTCTCCCGGCG-3'
Protein context (NP_001124459.1, residues 807-827): SLPDIVIWML[Gln817Arg]GDKRVAYQRV